The following is an entry in ClinVar:

ClinVar aggregate classification (germline): Pathogenic. Review status: reviewed by expert panel (3 of 4 stars). 2 submissions from 2 submitters: Pathogenic (1). 1 of the submissions does not count toward it. Last evaluated 2016-10-18.

Conditions:
Breast-ovarian cancer, familial, susceptibility to, 2 (BROVCA2). Also called: BRCA2 Hereditary Breast and Ovarian Cancer. Identifiers: Orphanet 145, MedGen C2675520, MONDO:0012933, OMIM 612555. Disease mechanism: loss of function.

Submissions (2):

Evidence-based Network for the Interpretation of Germline Mutant Alleles (ENIGMA)
Classification: Pathogenic for Breast-ovarian cancer, familial, susceptibility to, 2. Last evaluated: 2016-10-18. Review status: reviewed by expert panel. Criteria: ENIGMA BRCA1/2 Classification Criteria (2015). Collection method: curation. Allele origin: germline.
Comment: Variant allele predicted to encode a truncated non-functional protein.

Consortium of Investigators of Modifiers of BRCA1/2 (CIMBA), c/o University of Cambridge
Classification: Pathogenic for Breast-ovarian cancer, familial, susceptibility to, 2. Last evaluated: 2015-10-02. Review status: criteria provided, single submitter. Criteria: CIMBA Mutation Classification guidelines May 2016. Collection method: clinical testing. Allele origin: germline. Not counted in ClinVar's aggregate classification.

NM_000059.4(BRCA2):c.6340_6341del (p.Pro2114fs)

Gene: BRCA2 (BRCA2 DNA repair associated; plus strand). Cytogenetic location: 13q13.1.
Variant type: Deletion.
Coding change: c.6340_6341del on transcript NM_000059.4 (MANE Select); coding-DNA positions 6340 to 6341, 2 bases deleted (CC; older notation c.6340_6341delCC).
Protein change: p.Pro2114fs; shifts the reading frame from proline 2114.
Molecular consequence: frameshift variant.
Genome position (GRCh38, 1-based): chr13:32,340,695-32,340,696, CC deleted; deleting any 2 consecutive bases within chr13:32,340,694-32,340,696 gives the same sequence; the c. name uses the placement nearest the transcript's 3' end. VCF-style (leftmost placement, unchanged base first): chr13-32340693-ACC-A. GRCh37 (hg19) VCF-style: chr13-32914830-ACC-A.
Other names: 6568_6569del2; short protein forms P2114fs.
Identifiers: ClinVar variation 266940 (VCV000266940.5), dbSNP rs886040651, ClinGen allele CA10589370.